The following is an entry in ClinVar:

NM_000747.3(CHRNB1):c.59-3C>T

Gene: CHRNB1 (cholinergic receptor nicotinic beta 1 subunit; plus strand). Cytogenetic location: 17p13.1.
Variant type: single nucleotide variant.
Coding change: c.59-3C>T on transcript NM_000747.3 (MANE Select); 3 bases into the intron before coding-DNA position 59, C replaced by T.
Molecular consequence: intron variant.
Genome position (GRCh38, 1-based): chr17:7,445,267, C>T. VCF-style: chr17-7445267-C-T. GRCh37 (hg19) VCF-style: chr17-7348586-C-T.
Identifiers: ClinVar variation 959159 (VCV000959159.9), dbSNP rs372041531, ClinGen allele CA8347623.

ClinVar aggregate classification (germline): Uncertain significance. Review status: criteria provided, single submitter (1 of 4 stars). 2 submissions from 2 submitters: Uncertain significance (1). 1 of the submissions does not count toward it. Last evaluated 2025-08-07.

Conditions:
CHRNB1-related disorder. Also called: CHRNB1-related condition.
Congenital myasthenic syndrome 2A. Also called: Myasthenic syndrome, congenital, 2a, slow-channel. Identifiers: Orphanet 590, MedGen C4225374, MONDO:0014581, OMIM 616313.

Allele frequency attached by ClinVar (database versions not stated): ExAC 0.00006; ESP Exome Variant Server 0.00008; TOPMed 0.00008; gnomAD 0.00010 and 0.00011.
gnomAD v4.1: 87 of 1,612,770 alleles (0.0054%); highest among the groups gnomAD compares: Non-Finnish European, 0.0063%; 2 homozygotes.

Submissions (2):

Labcorp Genetics (formerly Invitae), Labcorp
Classification: Uncertain significance for Congenital myasthenic syndrome 2A. Last evaluated: 2025-08-07. Review status: criteria provided, single submitter. Criteria: Invitae Variant Classification Sherloc (09022015). Collection method: clinical testing. Allele origin: germline.
Comment: This sequence change falls in intron 1 of the CHRNB1 gene. It does not directly change the encoded amino acid sequence of the CHRNB1 protein. It affects a nucleotide within the consensus splice site. This variant is present in population databases (rs372041531, gnomAD 0.01%). This variant has not been reported in the literature in individuals affected with CHRNB1-related conditions. ClinVar contains an entry for this variant (Variation ID: 959159). Variants that disrupt the consensus splice site are a relatively common cause of aberrant splicing (PMID: 17576681, 9536098). Algorithms developed to predict the effect of sequence changes on RNA splicing suggest that this variant is not likely to affect RNA splicing. In summary, the available evidence is currently insufficient to determine the role of this variant in disease. Therefore, it has been classified as a Variant of Uncertain Significance.

PreventionGenetics, part of Exact Sciences
Classification: Likely benign for CHRNB1-related condition. Last evaluated: 2019-09-04. Review status: no assertion criteria provided. Collection method: clinical testing. Allele origin: germline. Not counted in ClinVar's aggregate classification.
Comment: This variant is classified as likely benign based on ACMG/AMP sequence variant interpretation guidelines (Richards et al. 2015 PMID: 25741868, with internal and published modifications).

Literature cited by the submitters: PubMed 17576681 (cited by Labcorp Genetics (formerly Invitae), Labcorp); PubMed 9536098 (cited by Labcorp Genetics (formerly Invitae), Labcorp).